The following is an entry in ClinVar:

ClinVar aggregate classification (germline): Uncertain significance. Review status: criteria provided, multiple submitters, no conflicts (2 of 4 stars). 2 submissions from 2 submitters: Uncertain significance (2). Last evaluated 2025-07-30.

Conditions:
Renal-hepatic-pancreatic dysplasia 2 (RHPD2). Identifiers: MedGen C3809434, MONDO:0014174, OMIM 615415.
Polycystic kidney disease 8. Identifiers: MedGen C5935640, MONDO:0971178, OMIM 620903.
Nephronophthisis 9 (NPHP9). Identifiers: Orphanet 655, MedGen C3151188, MONDO:0013444, OMIM 613824.

gnomAD v4.1: 7 of 1,613,976 alleles (0.00043%); highest among the groups gnomAD compares: African/African-American, 0.0093%; no homozygotes.

Submissions (2):

Labcorp Genetics (formerly Invitae), Labcorp
Classification: Uncertain significance for Nephronophthisis 9. Last evaluated: 2025-07-30. Review status: criteria provided, single submitter. Criteria: Invitae Variant Classification Sherloc (09022015). Collection method: clinical testing. Allele origin: germline.
Comment: This sequence change replaces isoleucine, which is neutral and non-polar, with serine, which is neutral and polar, at codon 411 of the NEK8 protein (p.Ile411Ser). This variant is not present in population databases (gnomAD no frequency). This variant has not been reported in the literature in individuals affected with NEK8-related conditions. ClinVar contains an entry for this variant (Variation ID: 3581773). An algorithm developed to predict the effect of missense changes on protein structure and function (PolyPhen-2) suggests that this variant is likely to be disruptive. In summary, the available evidence is currently insufficient to determine the role of this variant in disease. Therefore, it has been classified as a Variant of Uncertain Significance.

Fulgent Genetics
Classification: Uncertain significance for Nephronophthisis 9; Renal-hepatic-pancreatic dysplasia 2; Polycystic kidney disease 8. Last evaluated: 2024-01-29. Review status: criteria provided, single submitter. Criteria: ACMG Guidelines, 2015. Collection method: clinical testing. Allele origin: germline.

NM_178170.3(NEK8):c.1232T>G (p.Ile411Ser)

Gene: NEK8 (NIMA related kinase 8; plus strand). Cytogenetic location: 17q11.2.
Variant type: single nucleotide variant.
Coding change: c.1232T>G on transcript NM_178170.3 (MANE Select); coding-DNA position 1232, T replaced by G.
Protein change: p.Ile411Ser; replaces isoleucine 411 with serine.
Molecular consequence: missense variant.
Genome position (GRCh38, 1-based): chr17:28,738,680, T>G. VCF-style: chr17-28738680-T-G. GRCh37 (hg19) VCF-style: chr17-27065698-T-G.
Other names: short protein forms I411S.
Identifiers: ClinVar variation 3581773 (VCV003581773.2).